The following is an entry in ClinVar:

NM_001204.7(BMPR2):c.431C>T (p.Ser144Leu)

Gene: BMPR2 (bone morphogenetic protein receptor type 2; plus strand). Cytogenetic location: 2q33.2.
Variant type: single nucleotide variant.
Coding change: c.431C>T on transcript NM_001204.7 (MANE Select); coding-DNA position 431, C replaced by T.
Protein change: p.Ser144Leu; replaces serine 144 with leucine.
Molecular consequence: missense variant.
Genome position (GRCh38, 1-based): chr2:202,513,731, C>T. VCF-style: chr2-202513731-C-T. GRCh37 (hg19) VCF-style: chr2-203378454-C-T.
Other names: short protein forms S144L.
Identifiers: ClinVar variation 4214551 (VCV004214551.1).

ClinVar aggregate classification (germline): Uncertain significance (1 of 4 stars; one submission).

Conditions:
Inborn genetic diseases. Identifiers: MedGen C0950123, MeSH D030342.

Submission:

Ambry Genetics
Classification: Uncertain significance for Inborn genetic diseases. Last evaluated: 2025-09-01. Review status: criteria provided, single submitter. Criteria: Ambry Variant Classification Scheme 2023. Collection method: clinical testing. Allele origin: germline.
Comment: The p.S144L variant (also known as c.431C>T), located in coding exon 4 of the BMPR2 gene, results from a C to T substitution at nucleotide position 431. The serine at codon 144 is replaced by leucine, an amino acid with dissimilar properties. This amino acid position is conserved. In addition, the in silico prediction for this alteration is inconclusive. Based on the available evidence, the clinical significance of this variant remains unclear.